The following is an entry in ClinVar:

NM_000298.6(PKLR):c.625_637del (p.Arg209fs)

Gene: PKLR (pyruvate kinase L/R; minus strand). Cytogenetic location: 1q22.
Variant type: Deletion.
Coding change: c.625_637del on transcript NM_000298.6 (MANE Select); coding-DNA positions 625 to 637, 13 bases deleted (CGGGTCGTGCCGG).
Protein change: p.Arg209fs; shifts the reading frame from arginine 209.
Molecular consequence: frameshift variant.
Genome position (GRCh38, 1-based): chr1:155,295,173-155,295,185, CCGGCACGACCCG deleted on the plus strand (CGGGTCGTGCCGG on the coding strand, the reverse complement: PKLR is on the minus strand). VCF-style (leftmost placement, unchanged base first): chr1-155295172-ACCGGCACGACCCG-A. GRCh37 (hg19) VCF-style: chr1-155264963-ACCGGCACGACCCG-A.
Other names: c.532_544del, p.Arg178fs (NM_181871.4); c.625_637delCGGGTCGTGCCGG (NM_000298.6); short protein forms R178fs, R209fs.
Identifiers: ClinVar variation 2575478 (VCV002575478.4), dbSNP rs2525297168, ClinGen allele CA2580612544.

ClinVar aggregate classification (germline): Pathogenic/Likely pathogenic. Review status: criteria provided, multiple submitters, no conflicts (2 of 4 stars). 2 submissions from 2 submitters: Pathogenic (1); Likely pathogenic (1). Last evaluated 2025-03-04.

Submissions (2):

Center for Genomic Medicine, Rigshospitalet, Copenhagen University Hospital
Classification: Pathogenic. Last evaluated: 2025-03-04. Review status: criteria provided, single submitter. Criteria: ACMG Guidelines, 2015. Collection method: clinical testing. Allele origin: germline.

ARUP Laboratories, Molecular Genetics and Genomics, ARUP Laboratories
Classification: Likely pathogenic. Last evaluated: 2024-09-06. Review status: criteria provided, single submitter. Criteria: ARUP Molecular Germline Variant Investigation Process 2024. Collection method: clinical testing. Allele origin: germline.
Comment: The PKLR c.625_637del; p.Arg209TrpfsTer14 variant, to our knowledge, is not reported in the medical literature but is reported in ClinVar (Variation ID: 2575478). This variant is absent from the Genome Aggregation Database (v2.1.1), indicating it is not a common polymorphism. This variant causes a frameshift by deleting 13 nucleotides in exon 5 (of 11), so it is predicted to result in a truncated protein or mRNA subject to nonsense-mediated decay. Truncating variants in PKLR are a known cause of disease, and at least one other nonsense variant in this exon has been reported in patients with pyruvate kinase deficiency (Baronciani 1995). Based on available information, this variant is considered to be likely pathogenic. References: Baronciani L et al. Study of the molecular defects in pyruvate kinase deficient patients affected by nonspherocytic hemolytic anemia. Blood Cells Mol Dis. 1995;21(1):49-55. PMID: 7655861.